The following is an entry in ClinVar:

NM_001005242.3(PKP2):c.298G>A (p.Gly100Ser)

Gene: PKP2 (plakophilin 2; minus strand). Cytogenetic location: 12p11.21.
Variant type: single nucleotide variant.
Coding change: c.298G>A on transcript NM_001005242.3 (MANE Select); coding-DNA position 298, G replaced by A.
Protein change: p.Gly100Ser; replaces glycine 100 with serine.
Molecular consequence: missense variant.
Genome position (GRCh38, 1-based): chr12:32,878,958, C>T on the plus strand (G>A on the coding strand, the complement: PKP2 is on the minus strand). VCF-style: chr12-32878958-C-T. GRCh37 (hg19) VCF-style: chr12-33031892-C-T.
Other names: c.298G>A, p.Gly100Ser (NM_004572.4); short protein forms G100S.
Identifiers: ClinVar variation 1414793 (VCV001414793.9), dbSNP rs769509055, ClinGen allele CA036509.

ClinVar aggregate classification (germline): Uncertain significance. Review status: criteria provided, multiple submitters, no conflicts (2 of 4 stars). 2 submissions from 2 submitters: Uncertain significance (2). Last evaluated 2025-07-22.

Conditions:
Arrhythmogenic right ventricular cardiomyopathy (ARVD). Also called: Cardiomyopathy, ARVC; Arrhythmogenic right ventricular dysplasia; Arrhythmogenic Right Ventricular Cardiomyopathy (ARVC); Arrhythmogenic cardiomyopathy. Identifiers: Orphanet 247, MedGen C0349788, MeSH D019571, MONDO:0016587. Disease mechanism: loss of function. Inheritance: Various modes of inheritance.
Arrhythmogenic right ventricular dysplasia 9 (ARVD9). Also called: Arrhythmogenic Right Ventricular Dysplasia/Cardiomyopathy 9; ARRHYTHMOGENIC RIGHT VENTRICULAR DYSPLASIA, FAMILIAL, 9. Identifiers: MedGen C1836906, MONDO:0012180, OMIM 609040.

Allele frequency attached by ClinVar (database versions not stated): gnomAD exomes below 0.00001 and 0.00001; TOPMed below 0.00001; gnomAD 0.00001; ExAC 0.00002.

Submissions (2):

Labcorp Genetics (formerly Invitae), Labcorp
Classification: Uncertain significance for Arrhythmogenic right ventricular dysplasia 9. Last evaluated: 2025-07-22. Review status: criteria provided, single submitter. Criteria: Invitae Variant Classification Sherloc (09022015). Collection method: clinical testing. Allele origin: germline.
Comment: This sequence change replaces glycine, which is neutral and non-polar, with serine, which is neutral and polar, at codon 100 of the PKP2 protein (p.Gly100Ser). This variant is present in population databases (rs769509055, gnomAD 0.02%). This variant has not been reported in the literature in individuals affected with PKP2-related conditions. ClinVar contains an entry for this variant (Variation ID: 1414793). An algorithm developed to predict the effect of missense changes on protein structure and function (PolyPhen-2) suggests that this variant is likely to be tolerated. In summary, the available evidence is currently insufficient to determine the role of this variant in disease. Therefore, it has been classified as a Variant of Uncertain Significance.

All of Us Research Program, National Institutes of Health
Classification: Uncertain significance for Arrhythmogenic right ventricular cardiomyopathy. Last evaluated: 2023-05-04. Review status: criteria provided, single submitter. Criteria: ACMG Guidelines, 2015. Collection method: clinical testing. Allele origin: germline. Inheritance: Autosomal dominant inheritance. Observed: 1 variant allele, 1 heterozygote.
Comment: This missense variant replaces glycine with serine at codon 100 of the PKP2 protein. Computational prediction suggests that this variant may not impact protein structure and function (internally defined REVEL score threshold <= 0.5, PMID: 27666373). To our knowledge, functional studies have not been reported for this variant. This variant has not been reported in individuals affected with PKP2-related disorders in the literature. This variant has been identified in 3/251418 chromosomes in the general population by the Genome Aggregation Database (gnomAD). The available evidence is insufficient to determine the role of this variant in disease conclusively. Therefore, this variant is classified as a Variant of Uncertain Significance.

This study involves interpretation of variants in research participants for the purpose of population health screening. Participant phenotype was not available at the time of variant classification. Additional details can be found in publication PMID: 35346344, PMCID: PMC8962531